The following is an entry in ClinVar:

ClinVar aggregate classification (germline): Uncertain significance. Review status: criteria provided, multiple submitters, no conflicts (2 of 4 stars). 7 submissions from 7 submitters: Uncertain significance (5). 2 of the submissions do not count toward it. Last evaluated 2025-12-10.

Conditions:
Alstrom syndrome (ALMS). Identifiers: Orphanet 64, MedGen C0268425, MONDO:0008763, OMIM 203800.

Allele frequency attached by ClinVar (database versions not stated): gnomAD exomes below 0.00001; gnomAD 0.00001; TOPMed 0.00001.
gnomAD v4.1: 9 of 1,613,988 alleles (0.00056%); highest among the groups gnomAD compares: Middle Eastern, 0.016%; no homozygotes.

Submissions (7):

Labcorp Genetics (formerly Invitae), Labcorp
Classification: Uncertain significance for Alstrom syndrome. Last evaluated: 2025-12-10. Review status: criteria provided, single submitter. Criteria: Invitae Variant Classification Sherloc (09022015). Collection method: clinical testing. Allele origin: germline.
Comment: This sequence change replaces threonine, which is neutral and polar, with serine, which is neutral and polar, at codon 2410 of the ALMS1 protein (p.Thr2410Ser). This variant is not present in population databases (gnomAD no frequency). This variant has not been reported in the literature in individuals affected with ALMS1-related conditions. ClinVar contains an entry for this variant (Variation ID: 550245). Experimental studies and prediction algorithms are not available or were not evaluated, and the functional significance of this variant is currently unknown. In summary, the available evidence is currently insufficient to determine the role of this variant in disease. Therefore, it has been classified as a Variant of Uncertain Significance.

CeGaT Center for Human Genetics Tuebingen
Classification: Uncertain significance. Last evaluated: 2024-12-01. Review status: criteria provided, single submitter. Criteria: CeGaT Center For Human Genetics Tuebingen Variant Classification Criteria Version 2. Collection method: clinical testing. Allele origin: germline. Affected: yes. Observed: 1 variant allele.
Comment: ALMS1: PM2, BP4

Fulgent Genetics
Classification: Uncertain significance for Alstrom syndrome. Last evaluated: 2021-11-24. Review status: criteria provided, single submitter. Criteria: ACMG Guidelines, 2015. Collection method: clinical testing. Allele origin: unknown.

Blueprint Genetics
Classification: Uncertain significance. Last evaluated: 2021-11-11. Review status: criteria provided, single submitter. Criteria: ACMG Guidelines, 2015. Collection method: clinical testing. Allele origin: germline.

Laboratory for Molecular Medicine, Mass General Brigham Personalized Medicine
Classification: Uncertain significance. Last evaluated: 2020-08-13. Review status: criteria provided, single submitter. Criteria: LMM Criteria. Collection method: clinical testing. Allele origin: germline. Observed: 1 variant allele.
Comment: The p.Thr2410Ser variant in ALMS1 has not been previously reported in individuals with hearing loss or Alstrom syndrome and was absent from large population studies. Computational prediction tools and conservation analysis suggest that this variant may not impact the protein, though this information is not predictive enough to rule out pathogenicity. In summary, the clinical significance of this variant is uncertain. ACMG/AMP Criteria applied: PM2, PP3.

Natera, Inc.
Classification: Uncertain significance for Alstrom syndrome. Last evaluated: 2021-03-29. Review status: no assertion criteria provided. Collection method: clinical testing. Allele origin: germline. Not counted in ClinVar's aggregate classification.

Counsyl
Classification: Uncertain significance for Alstrom syndrome. Last evaluated: 2016-12-23. Review status: no assertion criteria provided. Collection method: clinical testing. Allele origin: unknown. Not counted in ClinVar's aggregate classification.

NM_001378454.1(ALMS1):c.7226C>G (p.Thr2409Ser)

Gene: ALMS1 (ALMS1 centrosome and basal body associated protein; plus strand). Cytogenetic location: 2p13.1.
Variant type: single nucleotide variant.
Coding change: c.7226C>G on transcript NM_001378454.1 (MANE Select); coding-DNA position 7226, C replaced by G.
Protein change: p.Thr2409Ser; replaces threonine 2409 with serine.
Molecular consequence: missense variant.
Genome position (GRCh38, 1-based): chr2:73,453,753, C>G. VCF-style: chr2-73453753-C-G. GRCh37 (hg19) VCF-style: chr2-73680880-C-G.
Other names: c.7229C>G, p.Thr2410Ser (NM_015120.4); short protein forms T2410S, T2409S.
Identifiers: ClinVar variation 550245 (VCV000550245.29), dbSNP rs866357733, ClinGen allele CA50398384.